The following is an entry in ClinVar:

ClinVar aggregate classification (germline): Conflicting classifications of pathogenicity. Review status: criteria provided, conflicting classifications (1 of 4 stars). 2 submissions from 2 submitters: Uncertain significance (1); Likely benign (1). Last evaluated 2025-11-03.

Allele frequency attached by ClinVar (database versions not stated): ExAC 0.00001; gnomAD exomes 0.00001 and 0.00003; gnomAD 0.00005; TOPMed 0.00006; 1000 Genomes Project 30x 0.00016.
gnomAD v4.1: 26 of 1,607,270 alleles (0.0016%); highest among the groups gnomAD compares: Admixed American, 0.022%; no homozygotes.

Submissions (2):

Labcorp Genetics (formerly Invitae), Labcorp
Classification: Uncertain significance. Last evaluated: 2025-11-03. Review status: criteria provided, single submitter. Criteria: Invitae Variant Classification Sherloc (09022015). Collection method: clinical testing. Allele origin: germline.
Comment: This sequence change replaces arginine, which is basic and polar, with histidine, which is basic and polar, at codon 98 of the TNFRSF6B protein (p.Arg98His). This variant is present in population databases (rs752104975, gnomAD 0.02%). This variant has not been reported in the literature in individuals affected with TNFRSF6B-related conditions. ClinVar contains an entry for this variant (Variation ID: 1393962). An algorithm developed to predict the effect of missense changes on protein structure and function outputs the following: PolyPhen-2: "Benign". The histidine amino acid residue is found in multiple mammalian species, which suggests that this missense change does not adversely affect protein function. In summary, the available evidence is currently insufficient to determine the role of this variant in disease. Therefore, it has been classified as a Variant of Uncertain Significance.

Ambry Genetics
Classification: Likely benign. Last evaluated: 2022-11-10. Review status: criteria provided, single submitter. Criteria: Ambry Variant Classification Scheme 2023. Collection method: clinical testing. Allele origin: germline.

NM_003823.4(TNFRSF6B):c.293G>A (p.Arg98His)

Genes: RTEL1-TNFRSF6B (RTEL1-TNFRSF6B readthrough (NMD candidate); plus strand), TNFRSF6B (TNF receptor superfamily member 6b; plus strand). Cytogenetic location: 20q13.33.
Variant type: single nucleotide variant.
Coding change: c.293G>A on transcript NM_003823.4 (MANE Select); coding-DNA position 293, G replaced by A.
Protein change: p.Arg98His; replaces arginine 98 with histidine.
Molecular consequence: missense variant. On other transcripts: non-coding transcript variant (1).
Genome position (GRCh38, 1-based): chr20:63,697,060, G>A. VCF-style: chr20-63697060-G-A. GRCh37 (hg19) VCF-style: chr20-62328413-G-A.
Other names: c.293G>A (NM_003823.3); short protein forms R98H.
Identifiers: ClinVar variation 1393962 (VCV001393962.7), dbSNP rs752104975, ClinGen allele CA9966401.